The following is an entry in ClinVar:

NM_007294.4(BRCA1):c.1471C>G (p.Gln491Glu)

Gene: BRCA1 (BRCA1 DNA repair associated; minus strand). Cytogenetic location: 17q21.31.
Variant type: single nucleotide variant.
Coding change: c.1471C>G on transcript NM_007294.4 (MANE Select); coding-DNA position 1471, C replaced by G.
Protein change: p.Gln491Glu; replaces glutamine 491 with glutamic acid.
Molecular consequence: missense variant. On other transcripts: intron variant (137).
Genome position (GRCh38, 1-based): chr17:43,094,060, G>C on the plus strand (C>G on the coding strand, the complement: BRCA1 is on the minus strand). VCF-style: chr17-43094060-G-C. GRCh37 (hg19) VCF-style: chr17-41246077-G-C.
Other names: c.661+684C>G (NM_001408445.1, NM_001408432.1, NM_001408450.1 and 6 more transcripts); c.667+1786C>G (NM_001408431.1, NM_001408424.1, NM_001408421.1); c.784+684C>G (NM_001408407.1, NM_001408402.1, NM_001408473.1 and 13 more transcripts); c.664+684C>G (NM_001408443.1, NM_001408439.1, NM_001408425.1 and 12 more transcripts); c.670+1786C>G (NM_001408419.1, NM_001408422.1, NM_001408418.1 and 2 more transcripts); c.787+684C>G (NM_001408403.1, NM_001407983.1, NM_001407975.1 and 19 more transcripts); c.790+681C>G (NM_001408406.1); c.646+684C>G (NM_001408456.1, NM_001408410.1, NM_001408458.1 and 11 more transcripts); and 40 more; short protein forms Q491E, Q444E, Q421E, Q403E, Q420E, Q443E, Q488E, Q195E.
Identifiers: ClinVar variation 481431 (VCV000481431.12), dbSNP rs62625303, ClinGen allele CA10599106.
Genomic context (GRCh38, chr17:43,094,060, plus strand): 5'-CTGATGTAGGTCTCCTTTTACGCTTTAATTTATTTGTGAGGGGACGCTCTTGTATTATCT[G>C]TGGCTCAGTAACAAATGCTCCTATAATTAGATTTTCAGTTACATGGCTTAAGTTGGGGAG-3'
Protein context (NP_009225.1, residues 481-501): LIIGAFVTEP[Gln491Glu]IIQERPLTNK

ClinVar aggregate classification (germline): Conflicting classifications of pathogenicity. Review status: criteria provided, conflicting classifications (1 of 4 stars). 4 submissions from 4 submitters: Uncertain significance (3); Likely benign (1). Last evaluated 2024-03-17.

Conditions:
Hereditary cancer-predisposing syndrome. Also called: Hereditary Cancer Syndrome; Neoplastic Syndromes, Hereditary; Tumor predisposition; Hereditary neoplastic syndrome. Identifiers: Orphanet 140162, MedGen C0027672, MeSH D009386, MONDO:0015356.
Hereditary breast ovarian cancer syndrome. Also called: Hereditary breast and ovarian cancer syndrome; Hereditary breast and ovarian cancer; Hereditary breast and ovarian cancer syndrome (HBOC); Breast and ovarian cancer; Hereditary breast and/or ovarian cancer syndrome; BRCA1- and BRCA2-Associated Hereditary Breast and Ovarian Cancer. Identifiers: Orphanet 145, MedGen C0677776, MeSH D061325, MONDO:0003582. Disease mechanism: loss of function.

Submissions (4):

Labcorp Genetics (formerly Invitae), Labcorp
Classification: Uncertain significance for Hereditary breast ovarian cancer syndrome. Last evaluated: 2024-03-17. Review status: criteria provided, single submitter. Criteria: Invitae Variant Classification Sherloc (09022015). Collection method: clinical testing. Allele origin: germline.
Comment: This sequence change replaces glutamine, which is neutral and polar, with glutamic acid, which is acidic and polar, at codon 491 of the BRCA1 protein (p.Gln491Glu). This variant is not present in population databases (gnomAD no frequency). This variant has not been reported in the literature in individuals affected with BRCA1-related conditions. ClinVar contains an entry for this variant (Variation ID: 481431). Advanced modeling of protein sequence and biophysical properties (such as structural, functional, and spatial information, amino acid conservation, physicochemical variation, residue mobility, and thermodynamic stability) performed at Invitae indicates that this missense variant is not expected to disrupt BRCA1 protein function with a negative predictive value of 95%. In summary, the available evidence is currently insufficient to determine the role of this variant in disease. Therefore, it has been classified as a Variant of Uncertain Significance.

University of Washington Department of Laboratory Medicine, University of Washington
Classification: Likely benign for Hereditary cancer-predisposing syndrome. Last evaluated: 2023-03-23. Review status: criteria provided, single submitter. Criteria: Dines et al. (Genet Med. 2020). Collection method: curation. Allele origin: germline.
Comment: Missense variant in a coldspot region where missense variants are very unlikely to be pathogenic (PMID:31911673).

BRCA1 coldspot (exon 11 using historical exon numbering). Reclassification based on statistical prior probability

Ambry Genetics
Classification: Uncertain significance for Hereditary cancer-predisposing syndrome. Last evaluated: 2022-09-15. Review status: criteria provided, single submitter. Criteria: Ambry Variant Classification Scheme 2023. Collection method: clinical testing. Allele origin: germline.
Comment: The p.Q491E variant (also known as c.1471C>G), located in coding exon 9 of the BRCA1 gene, results from a C to G substitution at nucleotide position 1471. The glutamine at codon 491 is replaced by glutamic acid, an amino acid with highly similar properties. This amino acid position is not well conserved in available vertebrate species. In addition, the in silico prediction for this alteration is inconclusive. Since supporting evidence is limited at this time, the clinical significance of this alteration remains unclear.

Color Diagnostics, LLC DBA Color Health
Classification: Uncertain significance for Hereditary cancer-predisposing syndrome. Last evaluated: 2019-05-16. Review status: criteria provided, single submitter. Criteria: ACMG Guidelines, 2015. Collection method: clinical testing. Allele origin: germline.